The following is an entry in ClinVar:

NM_001166108.2(PALLD):c.2870C>T (p.Pro957Leu)

Genes: CBR4 (carbonyl reductase 4; minus strand), PALLD (palladin, cytoskeletal associated protein; plus strand). Cytogenetic location: 4q32.3.
Variant type: single nucleotide variant.
Coding change: c.2870C>T on transcript NM_001166108.2 (MANE Select); coding-DNA position 2870, C replaced by T.
Protein change: p.Pro957Leu; replaces proline 957 with leucine.
Molecular consequence: missense variant.
Genome position (GRCh38, 1-based): chr4:168,921,553, C>T. VCF-style: chr4-168921553-C-T. GRCh37 (hg19) VCF-style: chr4-169842704-C-T.
Other names: c.1673C>T, p.Pro558Leu (NM_001166109.2); c.1358C>T, p.Pro453Leu (NM_001166110.2); c.698C>T, p.Pro233Leu (NM_001367567.1, NM_001367569.1); c.749C>T, p.Pro250Leu (NM_001367568.1, NM_001367570.1); c.2819C>T, p.Pro940Leu (NM_016081.4); short protein forms P453L, P250L, P558L, P940L, P233L, P957L.
Identifiers: ClinVar variation 4844654 (VCV004844654.1).

ClinVar aggregate classification (germline): Uncertain significance (1 of 4 stars; one submission).

Submission:

Ambry Genetics
Classification: Uncertain significance. Last evaluated: 2026-02-15. Review status: criteria provided, single submitter. Criteria: Ambry Variant Classification Scheme 2023. Collection method: clinical testing. Allele origin: germline.
Comment: The p.P453L variant (also known as c.1358C>T), located in coding exon 8 of the PALLD gene, results from a C to T substitution at nucleotide position 1358. The proline at codon 453 is replaced by leucine, an amino acid with similar properties. This amino acid position is conserved. In addition, this alteration is predicted to be deleterious by in silico analysis. Based on the available evidence, the clinical significance of this variant remains unclear.